The following is an entry in ClinVar:

ClinVar aggregate classification (germline): Uncertain significance (1 of 4 stars; one submission).

Allele frequency attached by ClinVar (database versions not stated): gnomAD exomes below 0.00001; ExAC 0.00001; gnomAD 0.00001; TOPMed 0.00001.
gnomAD v4.1: 6 of 1,603,950 alleles (0.00037%); highest among the groups gnomAD compares: African/African-American, 0.0013%; no homozygotes.

Submission:

GeneDx
Classification: Uncertain significance. Last evaluated: 2022-01-20. Review status: criteria provided, single submitter. Criteria: GeneDx Variant Classification Process June 2021. Collection method: clinical testing. Allele origin: germline. Affected: yes.
Comment: Not observed at significant frequency in large population cohorts (gnomAD); In silico analysis supports that this missense variant does not alter protein structure/function; Has not been previously published as pathogenic or benign to our knowledge

NM_020971.3(SPTBN4):c.2633G>A (p.Arg878Gln)

Gene: SPTBN4 (spectrin beta, non-erythrocytic 4; plus strand). Cytogenetic location: 19q13.2.
Variant type: single nucleotide variant.
Coding change: c.2633G>A on transcript NM_020971.3 (MANE Select); coding-DNA position 2633, G replaced by A.
Protein change: p.Arg878Gln; replaces arginine 878 with glutamine.
Molecular consequence: missense variant.
Genome position (GRCh38, 1-based): chr19:40,513,422, G>A. VCF-style: chr19-40513422-G-A. GRCh37 (hg19) VCF-style: chr19-41019329-G-A.
Other names: short protein forms R878Q.
Identifiers: ClinVar variation 1698121 (VCV001698121.2), dbSNP rs761765715, ClinGen allele CA9445868.